The following is an entry in ClinVar:

ClinVar aggregate classification (germline): Uncertain significance. Review status: criteria provided, multiple submitters, no conflicts (2 of 4 stars). 2 submissions from 2 submitters: Uncertain significance (2). Last evaluated 2023-06-12.

Conditions:
Kleefstra syndrome 1 (KLEFS1). Identifiers: Orphanet 261494, MedGen C0795833, MONDO:0027407, OMIM 610253.

Submissions (2):

GeneDx
Classification: Uncertain significance. Last evaluated: 2023-06-12. Review status: criteria provided, single submitter. Criteria: GeneDx Variant Classification Process June 2021. Collection method: clinical testing. Allele origin: germline. Affected: yes.
Comment: Not observed at significant frequency in large population cohorts (gnomAD); In silico analysis supports that this missense variant has a deleterious effect on protein structure/function; Has not been previously published as pathogenic or benign to our knowledge

Labcorp Genetics (formerly Invitae), Labcorp
Classification: Uncertain significance for Kleefstra syndrome 1. Last evaluated: 2019-06-18. Review status: criteria provided, single submitter. Criteria: Invitae Variant Classification Sherloc (09022015). Collection method: clinical testing. Allele origin: germline.
Comment: This sequence change replaces aspartic acid with tyrosine at codon 1013 of the EHMT1 protein (p.Asp1013Tyr). The aspartic acid residue is highly conserved and there is a large physicochemical difference between aspartic acid and tyrosine. This variant is not present in population databases (ExAC no frequency). In summary, the available evidence is currently insufficient to determine the role of this variant in disease. Therefore, it has been classified as a Variant of Uncertain Significance. Algorithms developed to predict the effect of sequence changes on RNA splicing suggest that this variant may create or strengthen a splice site, but this prediction has not been confirmed by published transcriptional studies. Algorithms developed to predict the effect of missense changes on protein structure and function (SIFT, PolyPhen-2, Align-GVGD) all suggest that this variant is likely to be disruptive, but these predictions have not been confirmed by published functional studies and their clinical significance is uncertain. This variant has not been reported in the literature in individuals with EHMT1-related conditions.

NM_024757.5(EHMT1):c.3037G>T (p.Asp1013Tyr)

Gene: EHMT1 (euchromatic histone lysine methyltransferase 1; plus strand). Cytogenetic location: 9q34.3.
Variant type: single nucleotide variant.
Coding change: c.3037G>T on transcript NM_024757.5 (MANE Select); coding-DNA position 3037, G replaced by T.
Protein change: p.Asp1013Tyr; replaces aspartic acid 1013 with tyrosine.
Molecular consequence: missense variant.
Genome position (GRCh38, 1-based): chr9:137,813,387, G>T. VCF-style: chr9-137813387-G-T. GRCh37 (hg19) VCF-style: chr9-140707839-G-T.
Other names: c.3016G>T, p.Asp1006Tyr (NM_001354263.2); short protein forms D1006Y, D1013Y.
Identifiers: ClinVar variation 951306 (VCV000951306.11), dbSNP rs1954652534, ClinGen allele CA375793786.